The following is an entry in ClinVar:

NM_024809.5(TCTN2):c.1180A>T (p.Ile394Phe)

Gene: TCTN2 (tectonic family member 2; plus strand). Cytogenetic location: 12q24.31.
Variant type: single nucleotide variant.
Coding change: c.1180A>T on transcript NM_024809.5 (MANE Select); coding-DNA position 1180, A replaced by T.
Protein change: p.Ile394Phe; replaces isoleucine 394 with phenylalanine.
Molecular consequence: missense variant.
Genome position (GRCh38, 1-based): chr12:123,694,922, A>T. VCF-style: chr12-123694922-A-T. GRCh37 (hg19) VCF-style: chr12-124179469-A-T.
Other names: c.1177A>T, p.Ile393Phe (NM_001143850.3); c.1180A>T (NM_024809.3); short protein forms I394F, I393F.
Identifiers: ClinVar variation 1478110 (VCV001478110.7), dbSNP rs774166162, ClinGen allele CA6861130.

ClinVar aggregate classification (germline): Uncertain significance. Review status: criteria provided, multiple submitters, no conflicts (2 of 4 stars). 2 submissions from 2 submitters: Uncertain significance (2). Last evaluated 2023-01-26.

Conditions:
Inborn genetic diseases. Identifiers: MedGen C0950123, MeSH D030342.
Meckel-Gruber syndrome. Also called: DYSENCEPHALIA SPLANCHNOCYSTICA; GRUBER SYNDROME; Dysencephalia splachnocystica. Identifiers: Orphanet 564, MedGen C0265215, MONDO:0018921.
Joubert syndrome. Also called: CEREBELLOPARENCHYMAL DISORDER IV; JOUBERT-BOLTSHAUSER SYNDROME; Familial aplasia of the vermis. Identifiers: Orphanet 475, MedGen C5979921, MONDO:0018772.

Allele frequency attached by ClinVar (database versions not stated): gnomAD exomes 0.00001; ExAC 0.00002.
gnomAD v4.1: 14 of 1,613,384 alleles (0.00087%); highest among the groups gnomAD compares: Middle Eastern, 0.099%; no homozygotes.

Submissions (2):

Ambry Genetics
Classification: Uncertain significance for Inborn genetic diseases. Last evaluated: 2023-01-26. Review status: criteria provided, single submitter. Criteria: Ambry Variant Classification Scheme 2023. Collection method: clinical testing. Allele origin: germline.

Labcorp Genetics (formerly Invitae), Labcorp
Classification: Uncertain significance for Joubert syndrome; Meckel-Gruber syndrome. Last evaluated: 2022-09-06. Review status: criteria provided, single submitter. Criteria: Invitae Variant Classification Sherloc (09022015). Collection method: clinical testing. Allele origin: germline.
Comment: This sequence change replaces isoleucine, which is neutral and non-polar, with phenylalanine, which is neutral and non-polar, at codon 394 of the TCTN2 protein (p.Ile394Phe). This variant is present in population databases (rs774166162, gnomAD 0.002%). This variant has not been reported in the literature in individuals affected with TCTN2-related conditions. ClinVar contains an entry for this variant (Variation ID: 1478110). Algorithms developed to predict the effect of missense changes on protein structure and function are either unavailable or do not agree on the potential impact of this missense change (SIFT: "Deleterious"; PolyPhen-2: "Probably Damaging"; Align-GVGD: "Class C0"). In summary, the available evidence is currently insufficient to determine the role of this variant in disease. Therefore, it has been classified as a Variant of Uncertain Significance.